The following is an entry in ClinVar:

ClinVar aggregate classification (germline): Likely benign. Review status: criteria provided, multiple submitters, no conflicts (2 of 4 stars). 4 submissions from 4 submitters: Likely benign (3). 1 of the submissions does not count toward it. Last evaluated 2025-01-20.

Conditions:
MLYCD-related disorder. Also called: MLYCD-related condition.
Deficiency of malonyl-CoA decarboxylase. Also called: Malonic aciduria; MCD deficiency. Identifiers: Orphanet 943, MedGen C0342793, MONDO:0009556, OMIM 248360.

Allele frequency attached by ClinVar (database versions not stated): ExAC 0.00003; gnomAD exomes 0.00006; ESP Exome Variant Server 0.00008; gnomAD 0.00014; TOPMed 0.00014.

Submissions (4):

Labcorp Genetics (formerly Invitae), Labcorp
Classification: Likely benign for Deficiency of malonyl-CoA decarboxylase. Last evaluated: 2025-01-20. Review status: criteria provided, single submitter. Criteria: Invitae Variant Classification Sherloc (09022015). Collection method: clinical testing. Allele origin: germline.

Blueprint Genetics
Classification: Likely benign. Last evaluated: 2024-09-03. Review status: criteria provided, single submitter. Criteria: ACMG Guidelines, 2015. Collection method: clinical testing. Allele origin: germline.

ARUP Laboratories, Molecular Genetics and Genomics, ARUP Laboratories
Classification: Likely benign for Deficiency of malonyl-CoA decarboxylase. Last evaluated: 2023-09-11. Review status: criteria provided, single submitter. Criteria: ARUP Molecular Germline Variant Investigation Process 2024. Collection method: clinical testing. Allele origin: germline.

PreventionGenetics, part of Exact Sciences
Classification: Likely benign for MLYCD-related condition. Last evaluated: 2019-03-20. Review status: no assertion criteria provided. Collection method: clinical testing. Allele origin: germline. Not counted in ClinVar's aggregate classification.
Comment: This variant is classified as likely benign based on ACMG/AMP sequence variant interpretation guidelines (Richards et al. 2015 PMID: 25741868, with internal and published modifications).

NM_012213.3(MLYCD):c.1296C>T (p.Arg432=)

Gene: MLYCD (malonyl-CoA decarboxylase; plus strand). Cytogenetic location: 16q23.3.
Variant type: single nucleotide variant.
Coding change: c.1296C>T on transcript NM_012213.3 (MANE Select); coding-DNA position 1296, C replaced by T.
Protein change: p.Arg432=; no amino-acid change (arginine 432 retained).
Molecular consequence: synonymous variant.
Genome position (GRCh38, 1-based): chr16:83,915,303, C>T. VCF-style: chr16-83915303-C-T. GRCh37 (hg19) VCF-style: chr16-83948908-C-T.
Identifiers: ClinVar variation 2738022 (VCV002738022.7), dbSNP rs369624204, ClinGen allele CA8197589.